The following is an entry in ClinVar:

ClinVar aggregate classification (germline): Uncertain significance (1 of 4 stars; one submission).

Conditions:
Autoimmune lymphoproliferative syndrome, type III caused by mutation in PRKCD. Identifiers: Orphanet 3261, Orphanet 664711, MedGen C3809928, MONDO:8000024, OMIM 615559.

gnomAD v4.1: 1 of 1,614,166 alleles (0.000062%); no homozygotes.

Submission:

Labcorp Genetics (formerly Invitae), Labcorp
Classification: Uncertain significance for Autoimmune lymphoproliferative syndrome, type III caused by mutation in PRKCD. Last evaluated: 2025-12-01. Review status: criteria provided, single submitter. Criteria: Invitae Variant Classification Sherloc (09022015). Collection method: clinical testing. Allele origin: germline.
Comment: This sequence change replaces aspartic acid, which is acidic and polar, with asparagine, which is neutral and polar, at codon 389 of the PRKCD protein (p.Asp389Asn). This variant is not present in population databases (gnomAD no frequency). This variant has not been reported in the literature in individuals affected with PRKCD-related conditions. ClinVar contains an entry for this variant (Variation ID: 2170469). An algorithm developed to predict the effect of missense changes on protein structure and function (PolyPhen-2) suggests that this variant is likely to be disruptive. In summary, the available evidence is currently insufficient to determine the role of this variant in disease. Therefore, it has been classified as a Variant of Uncertain Significance.

NM_006254.4(PRKCD):c.1165G>A (p.Asp389Asn)

Gene: PRKCD (protein kinase C delta; plus strand). Cytogenetic location: 3p21.1.
Variant type: single nucleotide variant.
Coding change: c.1165G>A on transcript NM_006254.4 (MANE Select); coding-DNA position 1165, G replaced by A.
Protein change: p.Asp389Asn; replaces aspartic acid 389 with asparagine.
Molecular consequence: missense variant.
Genome position (GRCh38, 1-based): chr3:53,186,245, G>A. VCF-style: chr3-53186245-G-A. GRCh37 (hg19) VCF-style: chr3-53220261-G-A.
Other names: c.1165G>A, p.Asp389Asn (NM_001316327.2, NM_001354679.2, NM_001354680.2 and 1 more transcripts); c.1222G>A, p.Asp408Asn (NM_001354676.2); c.1213G>A, p.Asp405Asn (NM_001354678.2); short protein forms D389N, D405N, D408N.
Identifiers: ClinVar variation 2170469 (VCV002170469.4), dbSNP rs1703682820, ClinGen allele CA353221782.